The following is an entry in ClinVar:

ClinVar aggregate classification (germline): Uncertain significance. Review status: criteria provided, multiple submitters, no conflicts (2 of 4 stars). 4 submissions from 4 submitters: Uncertain significance (4). Last evaluated 2025-04-01.

Conditions:
Microcephalic primordial dwarfism due to RTTN deficiency (MSSP). Also called: Microcephaly, short stature, and polymicrogyria with or without seizures; MICROCEPHALY, SHORT STATURE, AND POLYMICROGYRIA. Identifiers: Orphanet 468631, MedGen C3553831, MONDO:0018764, OMIM 614833.

Allele frequency attached by ClinVar (database versions not stated): gnomAD exomes 0.00009; ExAC 0.00010; TOPMed 0.00011; gnomAD 0.00012 and 0.00014; ESP Exome Variant Server 0.00017.
gnomAD v4.1: 170 of 1,613,742 alleles (0.011%); highest among the groups gnomAD compares: Middle Eastern, 0.12%; no homozygotes.

Submissions (4):

CeGaT Center for Human Genetics Tuebingen
Classification: Uncertain significance. Last evaluated: 2025-04-01. Review status: criteria provided, single submitter. Criteria: CeGaT Center For Human Genetics Tuebingen Variant Classification Criteria Version 2. Collection method: clinical testing. Allele origin: germline. Affected: yes. Observed: 2 variant alleles.
Comment: RTTN: PM2, BP4

Labcorp Genetics (formerly Invitae), Labcorp
Classification: Uncertain significance. Last evaluated: 2022-09-01. Review status: criteria provided, single submitter. Criteria: Invitae Variant Classification Sherloc (09022015). Collection method: clinical testing. Allele origin: germline.
Comment: This sequence change replaces arginine, which is basic and polar, with cysteine, which is neutral and slightly polar, at codon 580 of the RTTN protein (p.Arg580Cys). This variant is present in population databases (rs368918234, gnomAD 0.02%). This variant has not been reported in the literature in individuals affected with RTTN-related conditions. ClinVar contains an entry for this variant (Variation ID: 444437). Algorithms developed to predict the effect of missense changes on protein structure and function output the following: SIFT: "Deleterious"; PolyPhen-2: "Benign"; Align-GVGD: "Class C0". The cysteine amino acid residue is found in multiple mammalian species, which suggests that this missense change does not adversely affect protein function. In summary, the available evidence is currently insufficient to determine the role of this variant in disease. Therefore, it has been classified as a Variant of Uncertain Significance.

Victorian Clinical Genetics Services, Murdoch Childrens Research Institute
Classification: Uncertain significance for Microcephalic primordial dwarfism due to RTTN deficiency. Last evaluated: 2020-10-19. Review status: criteria provided, single submitter. Criteria: ACMG Guidelines, 2015. Collection method: clinical testing. Allele origin: germline. Inheritance: Autosomal recessive inheritance.
Comment: Based on the classification scheme VCGS_Germline_v1.3.3, this variant is classified as 3C-VUS. Following criteria are met: 0102 - Loss of function is a known mechanism of disease in this gene and is associated with microcephaly, short stature, and polymicrogyria with seizures (MIM#614833). (I) 0106 - This gene is associated with autosomal recessive disease. (I) 0200 - Variant is predicted to result in a missense amino acid change from arginine to cysteine. (I) 0251 - This variant is heterozygous. (I) 0304 - Variant is present in gnomAD (v2) <0.01 for a recessive condition (25 heterozygotes, 0 homozygotes). (SP) 0309 - Alternative amino acid changes at the same position have been observed in gnomAD (v2) (5 heterozygotes, 0 homozygotes). (I) 0504 - Same amino acid change has been observed in placental mammals. (SB) 0604 - Variant is not located in an established domain, motif, hotspot or informative constraint region. (I) 0705 - No comparable missense variants have previous evidence for pathogenicity. (I) 0809 - Previous evidence of pathogenicity for this variant is inconclusive. The variant has previously been described once as a VUS with no supporting information (ClinVar). (I) 0905 - No published segregation evidence has been identified for this variant. (I) 1007 - No published functional evidence has been identified for this variant. (I) 1208 - Inheritance information for this variant is not currently available in this individual. (I) Legend: (SP) - Supporting pathogenic, (I) - Information, (SB) - Supporting benign

Baylor Genetics
Classification: Uncertain significance for Microcephalic primordial dwarfism due to RTTN deficiency. Last evaluated: 2018-04-10. Review status: criteria provided, single submitter. Criteria: ACMG Guidelines, 2015. Collection method: clinical testing. Allele origin: paternal. Affected: yes.
Comment: This variant was determined to be of uncertain significance according to ACMG Guidelines, 2015 [PMID:25741868].

NM_173630.4(RTTN):c.1738C>T (p.Arg580Cys)

Gene: RTTN (rotatin; minus strand). Cytogenetic location: 18q22.2.
Variant type: single nucleotide variant.
Coding change: c.1738C>T on transcript NM_173630.4 (MANE Select); coding-DNA position 1738, C replaced by T.
Protein change: p.Arg580Cys; replaces arginine 580 with cysteine.
Molecular consequence: missense variant. On other transcripts: 5 prime UTR variant (1).
Genome position (GRCh38, 1-based): chr18:70,166,983, G>A on the plus strand (C>T on the coding strand, the complement: RTTN is on the minus strand). VCF-style: chr18-70166983-G-A. GRCh37 (hg19) VCF-style: chr18-67834219-G-A.
Other names: c.-910C>T (NM_001318520.2); short protein forms R580C.
Identifiers: ClinVar variation 444437 (VCV000444437.50), dbSNP rs368918234, ClinGen allele CA8996096.